The following is an entry in ClinVar:

ClinVar aggregate classification (germline): Uncertain significance (1 of 4 stars; one submission).

Conditions:
Familial hemiplegic migraine. Identifiers: MedGen C0338484, MONDO:0000700.

gnomAD v4.1: 1 of 1,614,158 alleles (0.000062%); highest among the groups gnomAD compares: Admixed American, 0.0017%; no homozygotes.

Submission:

Labcorp Genetics (formerly Invitae), Labcorp
Classification: Uncertain significance for Familial hemiplegic migraine. Last evaluated: 2025-04-08. Review status: criteria provided, single submitter. Criteria: Invitae Variant Classification Sherloc (09022015). Collection method: clinical testing. Allele origin: germline.
Comment: This sequence change replaces isoleucine, which is neutral and non-polar, with valine, which is neutral and non-polar, at codon 611 of the ATP1A2 protein (p.Ile611Val). This variant is present in population databases (no rsID available, gnomAD 0.003%). This variant has not been reported in the literature in individuals affected with ATP1A2-related conditions. Invitae Evidence Modeling of protein sequence and biophysical properties (such as structural, functional, and spatial information, amino acid conservation, physicochemical variation, residue mobility, and thermodynamic stability) indicates that this missense variant is not expected to disrupt ATP1A2 protein function with a negative predictive value of 80%. In summary, the available evidence is currently insufficient to determine the role of this variant in disease. Therefore, it has been classified as a Variant of Uncertain Significance.

NM_000702.4(ATP1A2):c.1831A>G (p.Ile611Val)

Gene: ATP1A2 (ATPase Na+/K+ transporting subunit alpha 2; plus strand). Cytogenetic location: 1q23.2.
Variant type: single nucleotide variant.
Coding change: c.1831A>G on transcript NM_000702.4 (MANE Select); coding-DNA position 1831, A replaced by G.
Protein change: p.Ile611Val; replaces isoleucine 611 with valine.
Molecular consequence: missense variant.
Genome position (GRCh38, 1-based): chr1:160,134,487, A>G. VCF-style: chr1-160134487-A-G. GRCh37 (hg19) VCF-style: chr1-160104277-A-G.
Other names: short protein forms I611V.
Identifiers: ClinVar variation 4767364 (VCV004767364.1).